The following is an entry in ClinVar:

NM_004415.4(DSP):c.6281C>G (p.Thr2094Ser)

Gene: DSP (desmoplakin; plus strand). Cytogenetic location: 6p24.3.
Variant type: single nucleotide variant.
Coding change: c.6281C>G on transcript NM_004415.4 (MANE Select); coding-DNA position 6281, C replaced by G.
Protein change: p.Thr2094Ser; replaces threonine 2094 with serine.
Molecular consequence: missense variant.
Genome position (GRCh38, 1-based): chr6:7,583,543, C>G. VCF-style: chr6-7583543-C-G. GRCh37 (hg19) VCF-style: chr6-7583776-C-G.
Other names: c.4952C>G, p.Thr1651Ser (NM_001319034.2); c.4484C>G, p.Thr1495Ser (NM_001008844.3); short protein forms T1495S, T1651S, T2094S.
Identifiers: ClinVar variation 3073472 (VCV003073472.1), dbSNP rs2533940249, ClinGen allele CA362690465.

ClinVar aggregate classification (germline): Uncertain significance (1 of 4 stars; one submission).

Conditions:
Arrhythmogenic cardiomyopathy with wooly hair and keratoderma. Also called: PALMOPLANTAR KERATODERMA WITH LEFT VENTRICULAR CARDIOMYOPATHY AND WOOLLY HAIR; Carvajal syndrome; Dilated cardiomyopathy with woolly hair and keratoderma; Arrhythmogenic cardiomyopathy with woolly hair and keratoderma. Identifiers: Orphanet 65282, MedGen C1854063, MONDO:0011581, OMIM 605676.

Submission:

All of Us Research Program, National Institutes of Health
Classification: Uncertain significance for Arrhythmogenic cardiomyopathy with wooly hair and keratoderma. Last evaluated: 2023-09-17. Review status: criteria provided, single submitter. Criteria: ACMG Guidelines, 2015. Collection method: clinical testing. Allele origin: germline. Inheritance: Autosomal dominant inheritance. Observed: 1 variant allele, 1 heterozygote.
Comment: This missense variant replaces threonine with serine at codon 2094 of the DSP protein. Computational prediction suggests that this variant may not impact protein structure and function (internally defined REVEL score threshold <= 0.5, PMID: 27666373). To our knowledge, functional studies have not been reported for this variant. This variant has not been reported in individuals affected with DSP-related disorders in the literature. This variant has not been identified in the general population by the Genome Aggregation Database (gnomAD). The available evidence is insufficient to determine the role of this variant in disease conclusively. Therefore, this variant is classified as a Variant of Uncertain Significance.

This study involves interpretation of variants in research participants for the purpose of population health screening. Participant phenotype was not available at the time of variant classification. Additional details can be found in publication PMID: 35346344, PMCID: PMC8962531